The following is an entry in ClinVar:

NM_001029883.3(PCARE):c.679G>A (p.Glu227Lys)

Gene: PCARE (photoreceptor cilium actin regulator; minus strand). Cytogenetic location: 2p23.2.
Variant type: single nucleotide variant.
Coding change: c.679G>A on transcript NM_001029883.3 (MANE Select); coding-DNA position 679, G replaced by A.
Protein change: p.Glu227Lys; replaces glutamic acid 227 with lysine.
Molecular consequence: missense variant.
Genome position (GRCh38, 1-based): chr2:29,073,583, C>T on the plus strand (G>A on the coding strand, the complement: PCARE is on the minus strand). VCF-style: chr2-29073583-C-T. GRCh37 (hg19) VCF-style: chr2-29296449-C-T.
Other names: short protein forms E227K.
Identifiers: ClinVar variation 335668 (VCV000335668.23), dbSNP rs114057537, ClinGen allele CA1592604.

ClinVar aggregate classification (germline): Benign. Review status: criteria provided, multiple submitters, no conflicts (2 of 4 stars). 4 submissions from 4 submitters: Benign (4). Last evaluated 2026-02-02.

Conditions:
Retinitis pigmentosa 54 (RP54). Identifiers: Orphanet 791, MedGen C3150691, MONDO:0013263, OMIM 613428.
Retinitis pigmentosa (RP). Identifiers: Orphanet 791, MedGen C0035334, MeSH D012174, MONDO:0019200, OMIM 268000. Inheritance: Autosomal dominant, autosomal recessive and X linked inheritance.

Allele frequency attached by ClinVar (database versions not stated): ExAC 0.00950; gnomAD 0.03118 and 0.03342; ESP Exome Variant Server 0.03157; TOPMed 0.03596; 1000 Genomes Project 0.03774; 1000 Genomes Project 30x 0.03998.

Submissions (4):

Labcorp Genetics (formerly Invitae), Labcorp
Classification: Benign. Last evaluated: 2026-02-02. Review status: criteria provided, single submitter. Criteria: Invitae Variant Classification Sherloc (09022015). Collection method: clinical testing. Allele origin: germline.

ARUP Laboratories, Molecular Genetics and Genomics, ARUP Laboratories
Classification: Benign for Retinitis pigmentosa 54. Last evaluated: 2023-11-22. Review status: criteria provided, single submitter. Criteria: ARUP Molecular Germline Variant Investigation Process 2024. Collection method: clinical testing. Allele origin: germline.

Illumina Laboratory Services, Illumina
Classification: Benign for Retinitis pigmentosa. Last evaluated: 2018-01-12. Review status: criteria provided, single submitter. Criteria: ICSL Variant Classification Criteria 13 December 2019. Collection method: clinical testing. Allele origin: germline.
Comment: This variant was observed in the ICSL laboratory as part of a predisposition screen in an ostensibly healthy population. It had not been previously curated by ICSL or reported in the Human Gene Mutation Database (HGMD: prior to June 1st, 2018), and was therefore a candidate for classification through an automated scoring system. Utilizing variant allele frequency, disease prevalence and penetrance estimates, and inheritance mode, an automated score was calculated to assess if this variant is too frequent to cause the disease. Based on the score and internal cut-off values, a variant classified as benign is not then subjected to further curation. The score for this variant resulted in a classification of benign for this disease.

Breakthrough Genomics
Classification: Benign. Review status: criteria provided, single submitter. Criteria: ACMG Guidelines, 2015. Collection method: not provided. Allele origin: germline. Inheritance: Unknown mechanism. Affected: yes.